The following is an entry in ClinVar:

NM_000038.6(APC):c.2846T>C (p.Met949Thr)

Gene: APC (APC regulator of Wnt signaling pathway; plus strand). Cytogenetic location: 5q22.2.
Variant type: single nucleotide variant.
Coding change: c.2846T>C on transcript NM_000038.6 (MANE Select); coding-DNA position 2846, T replaced by C.
Protein change: p.Met949Thr; replaces methionine 949 with threonine.
Molecular consequence: missense variant.
Genome position (GRCh38, 1-based): chr5:112,838,440, T>C. VCF-style: chr5-112838440-T-C. GRCh37 (hg19) VCF-style: chr5-112174137-T-C.
Other names: c.2846T>C, p.Met949Thr (NM_001127510.3, NM_001354895.2); c.2792T>C, p.Met931Thr (NM_001127511.3); c.2900T>C, p.Met967Thr (NM_001354896.2); c.2876T>C, p.Met959Thr (NM_001354897.2); c.2771T>C, p.Met924Thr (NM_001354898.2); c.2762T>C, p.Met921Thr (NM_001354899.2); c.2723T>C, p.Met908Thr (NM_001354900.2); c.2669T>C, p.Met890Thr (NM_001354901.2); and 5 more; short protein forms M848T, M666T, M823T, M890T, M908T, M921T, M924T, M931T.
Identifiers: ClinVar variation 963377 (VCV000963377.12), dbSNP rs1765280793, ClinGen allele CA16027538.

ClinVar aggregate classification (germline): Uncertain significance. Review status: criteria provided, multiple submitters, no conflicts (2 of 4 stars). 2 submissions from 2 submitters: Uncertain significance (2). Last evaluated 2025-05-29.

Conditions:
Hereditary cancer-predisposing syndrome. Also called: Tumor predisposition; Hereditary neoplastic syndrome; Hereditary Cancer Syndrome; Neoplastic Syndromes, Hereditary. Identifiers: Orphanet 140162, MedGen C0027672, MeSH D009386, MONDO:0015356.
Familial adenomatous polyposis 1 (FAP1). Also called: FAMILIAL ADENOMATOUS POLYPOSIS 1, ATTENUATED; POLYPOSIS, ADENOMATOUS INTESTINAL. Identifiers: MedGen C2713442, MONDO:0021056, OMIM 175100. Disease mechanism: loss of function.

Submissions (2):

Ambry Genetics
Classification: Uncertain significance for Hereditary cancer-predisposing syndrome. Last evaluated: 2025-05-29. Review status: criteria provided, single submitter. Criteria: Ambry Variant Classification Scheme 2023. Collection method: clinical testing. Allele origin: germline.
Comment: The p.M949T variant (also known as c.2846T>C), located in coding exon 15 of the APC gene, results from a T to C substitution at nucleotide position 2846. The methionine at codon 949 is replaced by threonine, an amino acid with similar properties. This amino acid position is conserved. In addition, in silico predictors for this gene do not accurately predict pathogenicity. Based on the available evidence, the clinical significance of this variant remains unclear.

Labcorp Genetics (formerly Invitae), Labcorp
Classification: Uncertain significance for Familial adenomatous polyposis 1. Last evaluated: 2024-05-06. Review status: criteria provided, single submitter. Criteria: Invitae Variant Classification Sherloc (09022015). Collection method: clinical testing. Allele origin: germline.
Comment: This sequence change replaces methionine, which is neutral and non-polar, with threonine, which is neutral and polar, at codon 949 of the APC protein (p.Met949Thr). This variant is not present in population databases (gnomAD no frequency). This variant has not been reported in the literature in individuals affected with APC-related conditions. ClinVar contains an entry for this variant (Variation ID: 963377). Advanced modeling of protein sequence and biophysical properties (such as structural, functional, and spatial information, amino acid conservation, physicochemical variation, residue mobility, and thermodynamic stability) performed at Invitae indicates that this missense variant is not expected to disrupt APC protein function with a negative predictive value of 95%. In summary, the available evidence is currently insufficient to determine the role of this variant in disease. Therefore, it has been classified as a Variant of Uncertain Significance.